The following is an entry in ClinVar:

ClinVar aggregate classification (germline): Uncertain significance (0 of 4 stars; one submission).

Submission:

Leiden Open Variation Database
Classification: Uncertain significance. Last evaluated: 2019-09-30. Review status: no assertion criteria provided. Collection method: curation. Allele origin: germline. Affected: yes.
Comment: Curators: Marc Tischkowitz, Arleen D. Auerbach. Submitter to LOVD: Andreas Laner.

NM_024675.4(PALB2):c.3104T>A (p.Ile1035Asn)

Gene: PALB2 (partner and localizer of BRCA2; minus strand). Cytogenetic location: 16p12.2.
Variant type: single nucleotide variant.
Coding change: c.3104T>A on transcript NM_024675.4 (MANE Select); coding-DNA position 3104, T replaced by A.
Protein change: p.Ile1035Asn; replaces isoleucine 1035 with asparagine.
Molecular consequence: missense variant.
Genome position (GRCh38, 1-based): chr16:23,621,371, A>T on the plus strand (T>A on the coding strand, the complement: PALB2 is on the minus strand). VCF-style: chr16-23621371-A-T. GRCh37 (hg19) VCF-style: chr16-23632692-A-T.
Other names: short protein forms I1035N.
Identifiers: ClinVar variation 830192 (VCV000830192.1), dbSNP rs1555459362, ClinGen allele CA395142801.
Genomic context (GRCh38, chr16:23,621,371, plus strand): 5'-ATATCCTCATACTACAGATGAGGGAACTGAGGACCTAGAGGGAAAGCTTACCAAATAACA[A>T]TGTTGTTCATAATAGTAGTACCAAGCAGAGCTTCTTGCATCCCTTGGACCTCAGCAAAAG-3'
Protein context (NP_078951.2, residues 1025-1045): ALLGTTIMNN[Ile1035Asn]VIWNLKTGQL